The following is an entry in ClinVar:

ClinVar aggregate classification (germline): Conflicting classifications of pathogenicity. Review status: criteria provided, conflicting classifications (1 of 4 stars). 2 submissions from 2 submitters: Uncertain significance (1); Likely benign (1). Last evaluated 2025-08-18.

Conditions:
Inborn genetic diseases. Identifiers: MedGen C0950123, MeSH D030342.
Charcot-Marie-Tooth disease type 2. Also called: Charcot-Marie-Tooth type 2. Identifiers: Orphanet 64746, MedGen C0270914, MONDO:0018993.

Allele frequency attached by ClinVar (database versions not stated): gnomAD 0.00003 and 0.00004; TOPMed 0.00004; gnomAD exomes 0.00002 and 0.00004; ExAC 0.00002.
gnomAD v4.1: 65 of 1,614,044 alleles (0.004%); highest among the groups gnomAD compares: African/African-American, 0.0053%; no homozygotes.

Submissions (2):

Labcorp Genetics (formerly Invitae), Labcorp
Classification: Uncertain significance for Charcot-Marie-Tooth disease type 2. Last evaluated: 2025-08-18. Review status: criteria provided, single submitter. Criteria: Invitae Variant Classification Sherloc (09022015). Collection method: clinical testing. Allele origin: germline.
Comment: This sequence change replaces asparagine, which is neutral and polar, with serine, which is neutral and polar, at codon 894 of the AARS protein (p.Asn894Ser). This variant is present in population databases (rs775024070, gnomAD 0.008%). This variant has not been reported in the literature in individuals affected with AARS-related conditions. ClinVar contains an entry for this variant (Variation ID: 945394). An algorithm developed to predict the effect of missense changes on protein structure and function outputs the following: PolyPhen-2: "Benign". The serine amino acid residue is found in multiple mammalian species, which suggests that this missense change does not adversely affect protein function. In summary, the available evidence is currently insufficient to determine the role of this variant in disease. Therefore, it has been classified as a Variant of Uncertain Significance.

Ambry Genetics
Classification: Likely benign for Inborn genetic diseases. Last evaluated: 2020-03-06. Review status: criteria provided, single submitter. Criteria: Ambry Variant Classification Scheme 2023. Collection method: clinical testing. Allele origin: germline.

NM_001605.3(AARS1):c.2681A>G (p.Asn894Ser)

Gene: AARS1 (alanyl-tRNA synthetase 1; minus strand). Cytogenetic location: 16q22.1.
Variant type: single nucleotide variant.
Coding change: c.2681A>G on transcript NM_001605.3 (MANE Select); coding-DNA position 2681, A replaced by G.
Protein change: p.Asn894Ser; replaces asparagine 894 with serine.
Molecular consequence: missense variant.
Genome position (GRCh38, 1-based): chr16:70,253,308, T>C on the plus strand (A>G on the coding strand, the complement: AARS1 is on the minus strand). VCF-style: chr16-70253308-T-C. GRCh37 (hg19) VCF-style: chr16-70287211-T-C.
Other names: short protein forms N894S.
Identifiers: ClinVar variation 945394 (VCV000945394.9), dbSNP rs775024070, ClinGen allele CA8140310.